The following is an entry in ClinVar:

ClinVar aggregate classification (germline): Uncertain significance (1 of 4 stars; one submission).

gnomAD v4.1: 1 of 1,614,238 alleles (0.000062%); highest among the groups gnomAD compares: Admixed American, 0.0017%; no homozygotes.

Submission:

Labcorp Genetics (formerly Invitae), Labcorp
Classification: Uncertain significance. Last evaluated: 2025-09-08. Review status: criteria provided, single submitter. Criteria: Invitae Variant Classification Sherloc (09022015). Collection method: clinical testing. Allele origin: germline.
Comment: This sequence change replaces proline, which is neutral and non-polar, with arginine, which is basic and polar, at codon 2094 of the NBAS protein (p.Pro2094Arg). This variant is not present in population databases (gnomAD no frequency). This variant has not been reported in the literature in individuals affected with NBAS-related conditions. ClinVar contains an entry for this variant (Variation ID: 1358506). Invitae Evidence Modeling of protein sequence and biophysical properties (such as structural, functional, and spatial information, amino acid conservation, physicochemical variation, residue mobility, and thermodynamic stability) has been performed for this missense variant. However, the output from this modeling did not meet the statistical confidence thresholds required to predict the impact of this variant on NBAS protein function. In summary, the available evidence is currently insufficient to determine the role of this variant in disease. Therefore, it has been classified as a Variant of Uncertain Significance.

NM_015909.4(NBAS):c.6281C>G (p.Pro2094Arg)

Gene: NBAS (NBAS subunit of NRZ tethering complex; minus strand). Cytogenetic location: 2p24.3.
Variant type: single nucleotide variant.
Coding change: c.6281C>G on transcript NM_015909.4 (MANE Select); coding-DNA position 6281, C replaced by G.
Protein change: p.Pro2094Arg; replaces proline 2094 with arginine.
Molecular consequence: missense variant.
Genome position (GRCh38, 1-based): chr2:15,218,924, G>C on the plus strand (C>G on the coding strand, the complement: NBAS is on the minus strand). VCF-style: chr2-15218924-G-C. GRCh37 (hg19) VCF-style: chr2-15359048-G-C.
Other names: short protein forms P2094R.
Identifiers: ClinVar variation 1358506 (VCV001358506.6), dbSNP rs771946757, ClinGen allele CA345884936.
Genomic context (GRCh38, chr2:15,218,924, plus strand): 5'-CCCAAAATCTGCAGCACGTGAATGCGGGGCCGCACCGGCCAGGCGTCATCAGCACAGAAA[G>C]GCCGCAGCCACTCCAGCAGGTCCTCAGGTGAAACCAGCTCCTCACTGCAGGGCAAAATCC-3'
Protein context (NP_056993.2, residues 2084-2104): SPEDLLEWLR[Pro2094Arg]FCADDAWPVR